The following is an entry in ClinVar:

NM_001291303.3(FAT4):c.2705TGG[1] (p.Val903del)

Gene: FAT4 (FAT atypical cadherin 4; plus strand). Cytogenetic location: 4q28.1.
Variant type: Microsatellite.
Coding change: c.2705TGG[1] on transcript NM_001291303.3 (MANE Select); one copy of the 3-base unit TGG starting at c.2705; the reference has two copies in a row; one copy, 3 bases deleted.
Protein change: p.Val903del; deletes valine 903.
Molecular consequence: inframe deletion.
Genome position (GRCh38, 1-based): chr4:125,319,119-125,319,121, TGG deleted; deleting any 3 consecutive bases within chr4:125,319,115-125,319,121 gives the same sequence; the position shown is the placement nearest the transcript's 3' end. VCF-style (leftmost placement, unchanged base first): chr4-125319114-TGTG-T. GRCh37 (hg19) VCF-style: chr4-126240269-TGTG-T.
Other names: c.2708_2710delTGG (NM_024582.4, NM_001291303.1); c.2705TGG[1], p.Val903del (NM_001291285.3, NM_024582.6); short protein forms V903del.
Identifiers: ClinVar variation 419204 (VCV000419204.14), dbSNP rs541157165, ClinGen allele CA3072197.

ClinVar aggregate classification (germline): Conflicting classifications of pathogenicity. Review status: criteria provided, conflicting classifications (1 of 4 stars). 3 submissions from 3 submitters: Uncertain significance (1); Likely benign (1). 1 of the submissions does not count toward it. Last evaluated 2026-01-23.

Conditions:
FAT4-related disorder. Also called: FAT4-related condition.

Submissions (3):

Labcorp Genetics (formerly Invitae), Labcorp
Classification: Likely benign. Last evaluated: 2026-01-23. Review status: criteria provided, single submitter. Criteria: Invitae Variant Classification Sherloc (09022015). Collection method: clinical testing. Allele origin: germline.

GeneDx
Classification: Uncertain significance. Last evaluated: 2021-02-02. Review status: criteria provided, single submitter. Criteria: GeneDx Variant Classification Process June 2021. Collection method: clinical testing. Allele origin: germline. Affected: yes.
Comment: In-frame deletion of 1 amino acid in a non-repeat region; In silico analysis, which includes protein predictors and evolutionary conservation, supports a deleterious effect; Has not been previously published as pathogenic or benign to our knowledge

PreventionGenetics, part of Exact Sciences
Classification: Likely benign for FAT4-related condition. Last evaluated: 2023-08-03. Review status: no assertion criteria provided. Collection method: clinical testing. Allele origin: germline. Not counted in ClinVar's aggregate classification.
Comment: This variant is classified as likely benign based on ACMG/AMP sequence variant interpretation guidelines (Richards et al. 2015 PMID: 25741868, with internal and published modifications).